The following is an entry in ClinVar:

ClinVar aggregate classification (germline): Uncertain significance (1 of 4 stars; one submission).

Allele frequency attached by ClinVar (database versions not stated): gnomAD exomes below 0.00001; gnomAD 0.00002; TOPMed 0.00002.
gnomAD v4.1: 5 of 1,613,366 alleles (0.00031%); highest among the groups gnomAD compares: African/African-American, 0.0053%; no homozygotes.

Submission:

Labcorp Genetics (formerly Invitae), Labcorp
Classification: Uncertain significance. Last evaluated: 2024-02-02. Review status: criteria provided, single submitter. Criteria: Invitae Variant Classification Sherloc (09022015). Collection method: clinical testing. Allele origin: germline.
Comment: This sequence change replaces alanine, which is neutral and non-polar, with threonine, which is neutral and polar, at codon 510 of the HMCN1 protein (p.Ala510Thr). This variant is present in population databases (no rsID available, gnomAD 0.007%). This variant has not been reported in the literature in individuals affected with HMCN1-related conditions. An algorithm developed to predict the effect of missense changes on protein structure and function (PolyPhen-2) suggests that this variant is likely to be disruptive. In summary, the available evidence is currently insufficient to determine the role of this variant in disease. Therefore, it has been classified as a Variant of Uncertain Significance.

NM_031935.3(HMCN1):c.1528G>A (p.Ala510Thr)

Gene: HMCN1 (hemicentin 1; plus strand). Cytogenetic location: 1q31.1.
Variant type: single nucleotide variant.
Coding change: c.1528G>A on transcript NM_031935.3 (MANE Select); coding-DNA position 1528, G replaced by A.
Protein change: p.Ala510Thr; replaces alanine 510 with threonine.
Molecular consequence: missense variant.
Genome position (GRCh38, 1-based): chr1:185,928,643, G>A. VCF-style: chr1-185928643-G-A. GRCh37 (hg19) VCF-style: chr1-185897775-G-A.
Other names: short protein forms A510T.
Identifiers: ClinVar variation 2991490 (VCV002991490.3), dbSNP rs981918593, ClinGen allele CA33435994.